The following is an entry in ClinVar:

ClinVar aggregate classification (germline): Conflicting classifications of pathogenicity. Review status: criteria provided, conflicting classifications (1 of 4 stars). 3 submissions from 3 submitters: Uncertain significance (1); Likely benign (2). Last evaluated 2026-02-04.

Conditions:
Severe combined immunodeficiency due to DNA-PKcs deficiency. Also called: IMMUNODEFICIENCY 26 WITH NEUROLOGIC ABNORMALITIES; Immunodeficiency 26 with or without neurologic abnormalities. Identifiers: Orphanet 317425, MedGen C4014833, MONDO:0014423, OMIM 615966.

Allele frequency attached by ClinVar (database versions not stated): gnomAD 0.00011 and 0.00012; gnomAD exomes 0.00013 and 0.00028; 1000 Genomes Project 30x 0.00016; TOPMed 0.00019; 1000 Genomes Project 0.00020; ExAC 0.00024.
gnomAD v4.1: 223 of 1,612,632 alleles (0.014%); highest among the groups gnomAD compares: Admixed American, 0.017%; no homozygotes.

Submissions (3):

Labcorp Genetics (formerly Invitae), Labcorp
Classification: Likely benign for Severe combined immunodeficiency due to DNA-PKcs deficiency. Last evaluated: 2026-02-04. Review status: criteria provided, single submitter. Criteria: Invitae Variant Classification Sherloc (09022015). Collection method: clinical testing. Allele origin: germline.

GeneDx
Classification: Uncertain significance. Last evaluated: 2024-12-20. Review status: criteria provided, single submitter. Criteria: GeneDx Variant Classification Process June 2021. Collection method: clinical testing. Allele origin: germline. Affected: yes.
Comment: In silico analysis indicates that this missense variant does not alter protein structure/function; Has not been previously published as pathogenic or benign to our knowledge

Blueprint Genetics
Classification: Likely benign. Last evaluated: 2022-08-08. Review status: criteria provided, single submitter. Criteria: ACMG Guidelines, 2015. Collection method: clinical testing. Allele origin: germline.

NM_006904.7(PRKDC):c.712A>G (p.Met238Val)

Gene: PRKDC (protein kinase, DNA-activated, catalytic subunit; minus strand). Cytogenetic location: 8q11.21.
Variant type: single nucleotide variant.
Coding change: c.712A>G on transcript NM_006904.7 (MANE Select); coding-DNA position 712, A replaced by G.
Protein change: p.Met238Val; replaces methionine 238 with valine.
Molecular consequence: missense variant.
Genome position (GRCh38, 1-based): chr8:47,953,629, T>C on the plus strand (A>G on the coding strand, the complement: PRKDC is on the minus strand). VCF-style: chr8-47953629-T-C. GRCh37 (hg19) VCF-style: chr8-48866189-T-C.
Other names: c.712A>G, p.Met238Val (NM_001081640.2); short protein forms M238V.
Identifiers: ClinVar variation 790911 (VCV000790911.13), dbSNP rs546088914, ClinGen allele CA4741955.